The following is an entry in ClinVar:

NM_003560.4(PLA2G6):c.221T>C (p.Leu74Pro)

Gene: PLA2G6 (phospholipase A2 group VI; minus strand). Cytogenetic location: 22q13.1.
Variant type: single nucleotide variant.
Coding change: c.221T>C on transcript NM_003560.4 (MANE Select); coding-DNA position 221, T replaced by C.
Protein change: p.Leu74Pro; replaces leucine 74 with proline.
Molecular consequence: missense variant. On other transcripts: 5 prime UTR variant (3).
Genome position (GRCh38, 1-based): chr22:38,145,642, A>G on the plus strand (T>C on the coding strand, the complement: PLA2G6 is on the minus strand). VCF-style: chr22-38145642-A-G. GRCh37 (hg19) VCF-style: chr22-38541649-A-G.
Other names: c.221T>C, p.Leu74Pro (NM_001004426.3, NM_001199562.3, NM_001349864.2 and 2 more transcripts); c.-314T>C (NM_001349867.2, NM_001349869.2); c.-270T>C (NM_001349868.2); short protein forms L74P.
Identifiers: ClinVar variation 1878593 (VCV001878593.1), dbSNP rs752987878, ClinGen allele CA10231311.

ClinVar aggregate classification (germline): Uncertain significance (1 of 4 stars; one submission).

Conditions:
Infantile neuroaxonal dystrophy (NBIA2A). Also called: NEURODEGENERATION WITH BRAIN IRON ACCUMULATION 2A; SEITELBERGER DISEASE; Infantile neuroaxonal dystrophy 1. Identifiers: Orphanet 35069, MedGen C0270724, MONDO:0024457, OMIM 256600.

Allele frequency attached by ClinVar (database versions not stated): ExAC 0.00001.

Submission:

Neuberg Centre For Genomic Medicine, NCGM
Classification: Uncertain significance for Infantile neuroaxonal dystrophy. Review status: criteria provided, single submitter. Criteria: ACMG Guidelines, 2015. Collection method: clinical testing. Allele origin: germline. Affected: yes.
Comment: The missense variant p.L74P in PLA2G6 (NM_003560.2) has not been reported previously as a pathogenic variant nor as a benign variant, to our knowledge. The p.L74P variant is observedin 1/15,862 (0.0063%) alleles from individuals of African background in gnomAD Exomes and is novel (not in any individuals) in 1000 Genomes. There is a moderate physicochemical difference between leucine and proline. The p.L74P missense variant is predicted to be damaging by both SIFT and PolyPhen2. The leucine residue at codon 74 of PLA2G6 is conserved in all mammalian species. The nucleotide c.221 in PLA2G6 is predicted conserved by GERP++ and PhyloP across 100 vertebrates. For these reasons, this variant has been classified as Uncertain Significance.